The following is an entry in ClinVar:

NM_024589.3(ROGDI):c.562C>T (p.Leu188=)

Gene: ROGDI (rogdi atypical leucine zipper; minus strand). Cytogenetic location: 16p13.3.
Variant type: single nucleotide variant.
Coding change: c.562C>T on transcript NM_024589.3 (MANE Select); coding-DNA position 562, C replaced by T.
Protein change: p.Leu188=; no amino-acid change (leucine 188 retained).
Molecular consequence: synonymous variant. On other transcripts: non-coding transcript variant (1).
Genome position (GRCh38, 1-based): chr16:4,798,154, G>A on the plus strand (C>T on the coding strand, the complement: ROGDI is on the minus strand). VCF-style: chr16-4798154-G-A. GRCh37 (hg19) VCF-style: chr16-4848155-G-A.
Identifiers: ClinVar variation 2730072 (VCV002730072.10), dbSNP rs1304248183, ClinGen allele CA493404934.
Genomic context (GRCh38, chr16:4,798,154, plus strand): 5'-CATGCAGCTGGTACACCGTGAGGCAGAGCTTGTTGAGGTTGATGTAGACGTTGACCAGCA[G>A]GTCGGACGGCAGGGCAGGGGCGAACATCCGCTGCGGGAGGCAGGTGGGATGAGGCCCTCG-3'
Protein context (NP_078865.1, residues 178-198): RMFAPALPSD[Leu188=]LVNVYINLNK

ClinVar aggregate classification (germline): Likely benign. Review status: criteria provided, multiple submitters, no conflicts (2 of 4 stars). 2 submissions from 2 submitters: Likely benign (2). Last evaluated 2025-10-01.

Conditions:
Amelocerebrohypohidrotic syndrome (KTZS). Also called: EPILEPSY AND YELLOW TEETH; EPILEPSY, DEMENTIA, AND AMELOGENESIS IMPERFECTA; KOHLSCHUTTER SYNDROME; Kohlschutter's syndrome. Identifiers: Orphanet 1946, MedGen C0406740, MONDO:0009185, OMIM 226750.

Allele frequency attached by ClinVar (database versions not stated): TOPMed below 0.00001; gnomAD exomes 0.00001.
gnomAD v4.1: 14 of 1,614,024 alleles (0.00087%); highest among the groups gnomAD compares: Middle Eastern, 0.066%; no homozygotes.

Submissions (2):

CeGaT Center for Human Genetics Tuebingen
Classification: Likely benign. Last evaluated: 2025-10-01. Review status: criteria provided, single submitter. Criteria: CeGaT Center For Human Genetics Tuebingen Variant Classification Criteria Version 2. Collection method: clinical testing. Allele origin: germline. Affected: yes. Observed: 1 variant allele.
Comment: ROGDI: BP4, BP7

Labcorp Genetics (formerly Invitae), Labcorp
Classification: Likely benign for Amelocerebrohypohidrotic syndrome. Last evaluated: 2023-09-20. Review status: criteria provided, single submitter. Criteria: Invitae Variant Classification Sherloc (09022015). Collection method: clinical testing. Allele origin: germline.